The following is an entry in ClinVar:

ClinVar aggregate classification (germline): Benign/Likely benign. Review status: criteria provided, multiple submitters, no conflicts (2 of 4 stars). 4 submissions from 4 submitters: Benign (1); Likely benign (2). 1 of the submissions does not count toward it. Last evaluated 2025-09-04.

Conditions:
Macrocephaly-developmental delay syndrome (MRT41). Also called: INTELLECTUAL DEVELOPMENTAL DISORDER, AUTOSOMAL RECESSIVE 41. Identifiers: Orphanet 397612, MedGen C3810225, MONDO:0014289, OMIM 615637.
KPTN-related disorder. Also called: KPTN-related condition. Identifiers: MedGen CN381532.

Allele frequency attached by ClinVar (database versions not stated): gnomAD exomes 0.00044 and 0.00099; ESP Exome Variant Server 0.00057; TOPMed 0.00060; gnomAD 0.00066 and 0.00069; ExAC 0.00076.
gnomAD v4.1: 805 of 1,613,342 alleles (0.05%); highest among the groups gnomAD compares: Non-Finnish European, 0.0092%; 4 homozygotes.

Submissions (4):

Labcorp Genetics (formerly Invitae), Labcorp
Classification: Benign for Macrocephaly-developmental delay syndrome. Last evaluated: 2025-09-04. Review status: criteria provided, single submitter. Criteria: Invitae Variant Classification Sherloc (09022015). Collection method: clinical testing. Allele origin: germline.

Genetic Services Laboratory, University of Chicago
Classification: Likely benign. Last evaluated: 2018-02-09. Review status: criteria provided, single submitter. Criteria: ACMG Guidelines, 2015. Collection method: clinical testing. Allele origin: germline. Affected: no.

Breakthrough Genomics
Classification: Likely benign. Review status: criteria provided, single submitter. Criteria: ACMG Guidelines, 2015. Collection method: not provided. Allele origin: germline. Inheritance: Autosomal recessive inheritance. Affected: yes.

PreventionGenetics, part of Exact Sciences
Classification: Benign for KPTN-related condition. Last evaluated: 2019-08-16. Review status: no assertion criteria provided. Collection method: clinical testing. Allele origin: germline. Not counted in ClinVar's aggregate classification.
Comment: This variant is classified as benign based on ACMG/AMP sequence variant interpretation guidelines (Richards et al. 2015 PMID: 25741868, with internal and published modifications).

NM_007059.4(KPTN):c.733C>G (p.Leu245Val)

Gene: KPTN (kaptin, actin binding protein; minus strand). Cytogenetic location: 19q13.32.
Variant type: single nucleotide variant.
Coding change: c.733C>G on transcript NM_007059.4 (MANE Select); coding-DNA position 733, C replaced by G.
Protein change: p.Leu245Val; replaces leucine 245 with valine.
Molecular consequence: missense variant. On other transcripts: non-coding transcript variant (1).
Genome position (GRCh38, 1-based): chr19:47,479,917, G>C on the plus strand (C>G on the coding strand, the complement: KPTN is on the minus strand). VCF-style: chr19-47479917-G-C. GRCh37 (hg19) VCF-style: chr19-47983174-G-C.
Other names: c.565C>G, p.Leu189Val (NM_001291296.2); short protein forms L245V, L189V.
Identifiers: ClinVar variation 714401 (VCV000714401.13), dbSNP rs201474471, ClinGen allele CA9540332.